The following is an entry in ClinVar:

NM_006885.4(ZFHX3):c.2325G>A (p.Ala775=)

Gene: ZFHX3 (zinc finger homeobox 3; minus strand). Cytogenetic location: 16q22.3.
Variant type: single nucleotide variant.
Coding change: c.2325G>A on transcript NM_006885.4 (MANE Select); coding-DNA position 2325, G replaced by A.
Protein change: p.Ala775=; no amino-acid change (alanine 775 retained).
Molecular consequence: synonymous variant. On other transcripts: intron variant (1).
Genome position (GRCh38, 1-based): chr16:72,957,821, C>T on the plus strand (G>A on the coding strand, the complement: ZFHX3 is on the minus strand). VCF-style: chr16-72957821-C-T. GRCh37 (hg19) VCF-style: chr16-72991720-C-T.
Other names: c.2325G>A, p.Ala775= (NM_001386735.1); c.-23-6856G>A (NM_001164766.2).
Identifiers: ClinVar variation 3770872 (VCV003770872.13).

ClinVar aggregate classification (germline): Likely benign (1 of 4 stars; one submission).

gnomAD v4.1: 68 of 1,599,020 alleles (0.0043%); highest among the groups gnomAD compares: South Asian, 0.011%; no homozygotes.

Submission:

CeGaT Center for Human Genetics Tuebingen
Classification: Likely benign. Last evaluated: 2025-01-01. Review status: criteria provided, single submitter. Criteria: CeGaT Center For Human Genetics Tuebingen Variant Classification Criteria Version 2. Collection method: clinical testing. Allele origin: germline. Affected: yes. Observed: 1 variant allele.
Comment: ZFHX3: BP4, BP7